The following is an entry in ClinVar:

ClinVar aggregate classification (germline): Conflicting classifications of pathogenicity. Review status: criteria provided, conflicting classifications (1 of 4 stars). 4 submissions from 4 submitters: Uncertain significance (2); Likely benign (2). Last evaluated 2025-08-02.

Conditions:
RYR1-related disorder. Also called: RYR1-related disorders; RYR1-related condition. Identifiers: MedGen CN239331.
Malignant hyperthermia, susceptibility to, 1 (MHS1). Also called: Anesthesia related hyperthermia; Malignant hyperpyrexia; Fulminating hyperpyrexia; Pharmacogenic myopathy; RYR1-Related Malignant Hyperthermia Susceptibility; Malignant hyperthermia suceptibility 1. Identifiers: Orphanet 423, MedGen C2930980, MONDO:0007783, OMIM 145600.

Allele frequency attached by ClinVar (database versions not stated): gnomAD 0.00001; gnomAD exomes 0.00001; TOPMed 0.00001.
gnomAD v4.1: 9 of 1,613,516 alleles (0.00056%); highest among the groups gnomAD compares: Non-Finnish European, 0.00076%; no homozygotes.

Submissions (4):

Labcorp Genetics (formerly Invitae), Labcorp
Classification: Uncertain significance for RYR1-related disorder. Last evaluated: 2025-08-02. Review status: criteria provided, single submitter. Criteria: Invitae Variant Classification Sherloc (09022015). Collection method: clinical testing. Allele origin: germline.
Comment: This sequence change affects codon 480 of the RYR1 mRNA. It is a 'silent' change, meaning that it does not change the encoded amino acid sequence of the RYR1 protein. This variant also falls at the last nucleotide of exon 13, which is part of the consensus splice site for this exon. This variant is present in population databases (no rsID available, gnomAD 0.007%). This variant has not been reported in the literature in individuals affected with RYR1-related conditions. ClinVar contains an entry for this variant (Variation ID: 1052099). Variants that disrupt the consensus splice site are a relatively common cause of aberrant splicing (PMID: 17576681, 9536098). Algorithms developed to predict the effect of sequence changes on RNA splicing suggest that this variant may disrupt the consensus splice site. In summary, the available evidence is currently insufficient to determine the role of this variant in disease. Therefore, it has been classified as a Variant of Uncertain Significance.

Women's Health and Genetics/Laboratory Corporation of America, LabCorp
Classification: Uncertain significance. Last evaluated: 2024-11-11. Review status: criteria provided, single submitter. Criteria: LabCorp Variant Classification Summary - May 2015. Collection method: clinical testing. Allele origin: germline.
Comment: Variant summary: RYR1 c.1440G>A (p.Glu480Glu) alters a conserved nucleotide located close to a canonical splice site and therefore could affect mRNA splicing, leading to a significantly altered protein sequence. Several computational tools predict a significant impact on normal splicing: Three predict the variant weakens the canonical 5' donor site. One predict the variant abolishes the canonical 5' splicing donor site. One predict the variant strengthens a cryptic 5' donor site. However, these predictions have yet to be confirmed by functional studies. The variant was absent in 246230 control chromosomes. The available data on variant occurrences in the general population are insufficient to allow any conclusion about variant significance. To our knowledge, no occurrence of c.1440G>A in individuals affected with Myopathy, RYR1-Associated and no experimental evidence demonstrating its impact on protein function have been reported. ClinVar contains an entry for this variant (Variation ID: 1052099). Based on the evidence outlined above, the variant was classified as uncertain significance.

All of Us Research Program, National Institutes of Health
Classification: Likely benign for Malignant hyperthermia, susceptibility to, 1. Last evaluated: 2024-08-06. Review status: criteria provided, single submitter. Criteria: ACMG Guidelines, 2015. Collection method: clinical testing. Allele origin: germline. Inheritance: Autosomal dominant inheritance. Observed: 8 variant alleles, 8 heterozygotes.
Comment: This study involves interpretation of variants in research participants for the purpose of population health screening. Participant phenotype was not available at the time of variant classification. Additional details can be found in publication PMID: 35346344, PMCID: PMC8962531

Color Diagnostics, LLC DBA Color Health
Classification: Likely benign for Malignant hyperthermia, susceptibility to, 1. Last evaluated: 2023-11-22. Review status: criteria provided, single submitter. Criteria: ACMG Guidelines, 2015. Collection method: clinical testing. Allele origin: germline.

Literature cited by the submitters: PubMed 17576681 (cited by Labcorp Genetics (formerly Invitae), Labcorp); PubMed 9536098 (cited by Labcorp Genetics (formerly Invitae), Labcorp).

NM_000540.3(RYR1):c.1440G>A (p.Glu480=)

Gene: RYR1 (ryanodine receptor 1; plus strand). Cytogenetic location: 19q13.2.
Variant type: single nucleotide variant.
Coding change: c.1440G>A on transcript NM_000540.3 (MANE Select); coding-DNA position 1440, G replaced by A.
Protein change: p.Glu480=; no amino-acid change (glutamic acid 480 retained).
Molecular consequence: synonymous variant.
Genome position (GRCh38, 1-based): chr19:38,453,014, G>A. VCF-style: chr19-38453014-G-A. GRCh37 (hg19) VCF-style: chr19-38943654-G-A.
Other names: c.1440G>A, p.Glu480= (NM_001042723.2).
Identifiers: ClinVar variation 1052099 (VCV001052099.10), dbSNP rs989350448, ClinGen allele CA308120834.
Genomic context (GRCh38, chr19:38,453,014, plus strand): 5'-CGAGGAGAAGCAGAGCAAGCTGCGAAGCCTGCGCAACCGCCAGAGCCTCTTCCAGGAGGA[G>A]GTGAGGACGTGGCGAGGGCGGAGCGGGGCCTGTGGGCCCAGGGGGCGGGACCACTGAGGG-3'
Protein context (NP_000531.2, residues 470-490): LRNRQSLFQE[Glu480=]GMLSMVLNCI